The following is an entry in ClinVar:

NM_017780.4(CHD7):c.2238+39G>A

Gene: CHD7 (chromodomain helicase DNA binding protein 7; plus strand). Cytogenetic location: 8q12.2.
Variant type: single nucleotide variant.
Coding change: c.2238+39G>A on transcript NM_017780.4 (MANE Select); 39 bases into the intron after coding-DNA position 2238, G replaced by A.
Molecular consequence: intron variant.
Genome position (GRCh38, 1-based): chr8:60,795,166, G>A. VCF-style: chr8-60795166-G-A. GRCh37 (hg19) VCF-style: chr8-61707725-G-A.
Other names: c.1716+14116G>A (NM_001316690.1).
Identifiers: ClinVar variation 158325 (VCV000158325.22), dbSNP rs4540437, ClinGen allele CA171774.

ClinVar aggregate classification (germline): Benign. Review status: criteria provided, multiple submitters, no conflicts (2 of 4 stars). 7 submissions from 6 submitters: Benign (6). 1 of the submissions does not count toward it. Last evaluated 2021-07-22.

Conditions:
CHARGE syndrome (CHARGE). Also called: CHARGE ASSOCIATION--COLOBOMA, HEART ANOMALY, CHOANAL ATRESIA, RETARDATION, GENITAL AND EAR ANOMALIES; Hittner Hirsch Kreh syndrome; Coloboma, heart anomaly, choanal atresia, retardation, genital and ear anomalies; CHARGE association; Hall-Hittner syndrome. Identifiers: Orphanet 138, MedGen C0265354, MONDO:0008965.
Hypogonadotropic hypogonadism 5 with or without anosmia (KAL5). Also called: HYPOGONADOTROPIC HYPOGONADISM 5 WITH ANOSMIA; HYPOGONADOTROPHIC HYPOGONADISM 5 WITHOUT ANOSMIA; CHD7-Related GnRH Deficiency (Kallmann Syndrome 5). Identifiers: Orphanet 478, MedGen C3552553, MONDO:0012880, OMIM 612370. Disease mechanism: loss of function.

Allele frequency attached by ClinVar (database versions not stated): gnomAD exomes 0.78743 and 0.82886; ExAC 0.83159; gnomAD 0.83910 and 0.83608; ESP Exome Variant Server 0.82261; TOPMed 0.83597; 1000 Genomes Project 0.89696; 1000 Genomes Project 30x 0.89350.
gnomAD v4.1: 1,267,788 of 1,598,936 alleles (79%); highest among the groups gnomAD compares: East Asian, 95%; 505,823 homozygotes.

Submissions (7):

Genome-Nilou Lab
Classification: Benign for CHD7-related CHARGE syndrome. Last evaluated: 2021-07-22. Review status: criteria provided, single submitter. Criteria: ACMG Guidelines, 2015. Collection method: clinical testing. Allele origin: germline. Affected: no.

Genome-Nilou Lab
Classification: Benign for Hypogonadotropic hypogonadism 5 with or without anosmia. Last evaluated: 2021-07-22. Review status: criteria provided, single submitter. Criteria: ACMG Guidelines, 2015. Collection method: clinical testing. Allele origin: germline. Affected: no.

ARUP Laboratories, Molecular Genetics and Genomics, ARUP Laboratories
Classification: Benign. Last evaluated: 2020-04-20. Review status: criteria provided, single submitter. Criteria: ARUP Molecular Germline Variant Investigation Process. Collection method: clinical testing. Allele origin: germline.

GeneDx
Classification: Benign. Last evaluated: 2015-03-03. Review status: criteria provided, single submitter. Criteria: GeneDx Variant Classification Process June 2021. Collection method: clinical testing. Allele origin: germline. Affected: yes.

Breakthrough Genomics
Classification: Benign. Review status: criteria provided, single submitter. Criteria: ACMG Guidelines, 2015. Collection method: not provided. Allele origin: germline. Inheritance: Autosomal dominant inheritance. Affected: yes.

PreventionGenetics, part of Exact Sciences
Classification: Benign. Review status: criteria provided, single submitter. Criteria: ACMG Guidelines, 2015. Collection method: clinical testing. Allele origin: germline.

Genetic Services Laboratory, University of Chicago
Classification: Likely benign. Review status: no assertion criteria provided. Collection method: clinical testing. Allele origin: germline. Inheritance: Autosomal dominant inheritance. Not counted in ClinVar's aggregate classification.
Comment: Likely benign based on allele frequency in 1000 Genomes Project or ESP global frequency and its presence in a patient with a rare or unrelated disease phenotype. NOT Sanger confirmed